The following is an entry in ClinVar:

ClinVar aggregate classification (germline): Uncertain significance (1 of 4 stars; one submission).

Conditions:
Agammaglobulinemia 3, autosomal recessive (AGM3). Also called: AGAMMAGLOBULINEMIA 3; AGAMMAGLOBULINEMIA, AUTOSOMAL RECESSIVE, DUE TO CD79A DEFECT. Identifiers: MedGen C3150751, MONDO:0013288, OMIM 613501.

Allele frequency attached by ClinVar (database versions not stated): gnomAD 0.00001; gnomAD exomes 0.00001; TOPMed 0.00001.

Submission:

Labcorp Genetics (formerly Invitae), Labcorp
Classification: Uncertain significance for Agammaglobulinemia 3, autosomal recessive. Last evaluated: 2022-03-29. Review status: criteria provided, single submitter. Criteria: Invitae Variant Classification Sherloc (09022015). Collection method: clinical testing. Allele origin: germline.
Comment: This sequence change replaces phenylalanine, which is neutral and non-polar, with leucine, which is neutral and non-polar, at codon 165 of the CD79A protein (p.Phe165Leu). This variant is not present in population databases (gnomAD no frequency). This variant has not been reported in the literature in individuals affected with CD79A-related conditions. Algorithms developed to predict the effect of missense changes on protein structure and function are either unavailable or do not agree on the potential impact of this missense change (SIFT: "Tolerated"; PolyPhen-2: "Possibly Damaging"; Align-GVGD: "Class C0"). In summary, the available evidence is currently insufficient to determine the role of this variant in disease. Therefore, it has been classified as a Variant of Uncertain Significance.

NM_001783.4(CD79A):c.493T>C (p.Phe165Leu)

Genes: RPS19-CD79A (RPS19-CD79A readthrough; plus strand), CD79A (CD79a molecule; plus strand). Cytogenetic location: 19q13.2.
Variant type: single nucleotide variant.
Coding change: c.493T>C on transcript NM_001783.4 (MANE Select); coding-DNA position 493, T replaced by C.
Protein change: p.Phe165Leu; replaces phenylalanine 165 with leucine.
Molecular consequence: missense variant.
Genome position (GRCh38, 1-based): chr19:41,879,648, T>C. VCF-style: chr19-41879648-T-C. GRCh37 (hg19) VCF-style: chr19-42383718-T-C.
Other names: c.379T>C, p.Phe127Leu (NM_021601.4); short protein forms F165L, F127L.
Identifiers: ClinVar variation 2085721 (VCV002085721.1), dbSNP rs782244248, ClinGen allele CA308574432.